The following is an entry in ClinVar:

ClinVar aggregate classification (germline): Pathogenic. Review status: reviewed by expert panel (3 of 4 stars). 3 submissions from 3 submitters: Pathogenic (1). 2 of the submissions do not count toward it. Last evaluated 2025-08-26.

Conditions:
Complex neurodevelopmental disorder. Identifiers: Orphanet 528084, MedGen C5568766, MONDO:0100038.
Early-infantile DEE. Also called: Early infantile epileptic encephalopathy; Ohtahara syndrome; Early infantile epileptic encephalopathy with suppression bursts. Identifiers: Orphanet 1934, MedGen C0393706, MONDO:0800491.

Submissions (3):

ClinGen Epilepsy Sodium Channel Variant Curation Expert Panel, Clingen
Classification: Pathogenic for Complex neurodevelopmental disorder. Last evaluated: 2025-08-26. Review status: reviewed by expert panel. Criteria: ClinGen EpilepsySCN ACMG Specifications SCN8A V2.0.0. Collection method: curation. Allele origin: germline. Inheritance: Autosomal dominant inheritance.
Comment: The c.615-1 G>A variant in SCN8A, also referred to as c.615-248 G>A using NM_001330260.2, occurs within the canonical acceptor site of intron 5. It is predicted to cause skipping of biologically-relevant-exon 6, resulting in a frameshift leading to nonsense mediated decay in a gene in which loss-of-function is an established disease mechanism (PVS1). This variant is absent from gnomAD v[20210610] (PM2_Supporting). The variant has been reported in two individual with clinical features consistent with complex neurodevelopmental disorder (PS4_supporting; Invitae and GeneDx internal data). In summary, this variant meets the criteria to be classified as pathogenic for autosomal dominant complex neurodevelopmental disorder based on the ACMG/AMP criteria applied, as specified by the ClinGen Sodium Channel Epilepsy VCEP: PVS1, PM2_Supporting, PS4_Supporting (v2.0; AUgust 26, 2025).

GeneDx
Classification: Likely pathogenic. Last evaluated: 2024-08-06. Review status: criteria provided, single submitter. Criteria: GeneDx Variant Classification Process June 2021. Collection method: clinical testing. Allele origin: germline. Affected: yes. Not counted in ClinVar's aggregate classification.
Comment: Canonical splice site variant predicted to result in a null allele in a gene for which loss of function is a known mechanism of disease; Not observed at significant frequency in large population cohorts (gnomAD); Has not been previously published as pathogenic or benign to our knowledge

Labcorp Genetics (formerly Invitae), Labcorp
Classification: Likely pathogenic for Early-infantile DEE. Last evaluated: 2022-07-25. Review status: criteria provided, single submitter. Criteria: Invitae Variant Classification Sherloc (09022015). Collection method: clinical testing. Allele origin: germline. Not counted in ClinVar's aggregate classification.
Comment: This variant has not been reported in the literature in individuals affected with SCN8A-related conditions. In summary, the currently available evidence indicates that the variant is pathogenic, but additional data are needed to prove that conclusively. Therefore, this variant has been classified as Likely Pathogenic. Algorithms developed to predict the effect of sequence changes on RNA splicing suggest that this variant may disrupt the consensus splice site. ClinVar contains an entry for this variant (Variation ID: 489373). This variant is not present in population databases (gnomAD no frequency). This sequence change affects an acceptor splice site in intron 5 of the SCN8A gene. It is expected to disrupt RNA splicing. Variants that disrupt the donor or acceptor splice site typically lead to a loss of protein function (PMID: 16199547), and loss-of-function variants in SCN8A are known to be pathogenic (PMID: 19254928, 32651551).

Literature cited by the submitters: PubMed 16199547 (cited by Labcorp Genetics (formerly Invitae), Labcorp); PubMed 19254928 (cited by Labcorp Genetics (formerly Invitae), Labcorp); PubMed 32651551 (cited by Labcorp Genetics (formerly Invitae), Labcorp).

NM_014191.4(SCN8A):c.615-1G>A

Gene: SCN8A (sodium voltage-gated channel alpha subunit 8; plus strand). Cytogenetic location: 12q13.13.
Variant type: single nucleotide variant.
Coding change: c.615-1G>A on transcript NM_014191.4 (MANE Plus Clinical); the canonical splice acceptor site of the intron before coding-DNA position 615, G replaced by A.
Molecular consequence: splice acceptor variant. On other transcripts: intron variant (2).
Genome position (GRCh38, 1-based): chr12:51,688,757, G>A. VCF-style: chr12-51688757-G-A. GRCh37 (hg19) VCF-style: chr12-52082541-G-A.
Other names: c.615-1G>A (NM_001177984.3); c.615-248G>A (NM_001330260.2, NM_001369788.1).
Identifiers: ClinVar variation 489373 (VCV000489373.11), dbSNP rs1555217342, ClinGen allele CA385223503.